The following is an entry in ClinVar:

ClinVar aggregate classification (germline): Uncertain significance (1 of 4 stars; one submission).

Allele frequency attached by ClinVar (database versions not stated): gnomAD exomes below 0.00001.
gnomAD v4.1: 1 of 1,614,238 alleles (0.000062%); highest among the groups gnomAD compares: Non-Finnish European, 0.000085%; no homozygotes.

Submission:

Labcorp Genetics (formerly Invitae), Labcorp
Classification: Uncertain significance. Last evaluated: 2023-05-22. Review status: criteria provided, single submitter. Criteria: Invitae Variant Classification Sherloc (09022015). Collection method: clinical testing. Allele origin: germline.
Comment: In summary, the available evidence is currently insufficient to determine the role of this variant in disease. Therefore, it has been classified as a Variant of Uncertain Significance. An algorithm developed to predict the effect of missense changes on protein structure and function (PolyPhen-2) suggests that this variant is likely to be disruptive. ClinVar contains an entry for this variant (Variation ID: 2013432). This variant has not been reported in the literature in individuals affected with LAMA1-related conditions. This variant is not present in population databases (gnomAD no frequency). This sequence change replaces alanine, which is neutral and non-polar, with threonine, which is neutral and polar, at codon 39 of the LAMA1 protein (p.Ala39Thr).

NM_005559.4(LAMA1):c.115G>A (p.Ala39Thr)

Gene: LAMA1 (laminin subunit alpha 1; minus strand). Cytogenetic location: 18p11.31.
Variant type: single nucleotide variant.
Coding change: c.115G>A on transcript NM_005559.4 (MANE Select); coding-DNA position 115, G replaced by A.
Protein change: p.Ala39Thr; replaces alanine 39 with threonine.
Molecular consequence: missense variant.
Genome position (GRCh38, 1-based): chr18:7,080,404, C>T on the plus strand (G>A on the coding strand, the complement: LAMA1 is on the minus strand). VCF-style: chr18-7080404-C-T. GRCh37 (hg19) VCF-style: chr18-7080403-C-T.
Other names: short protein forms A39T.
Identifiers: ClinVar variation 2013432 (VCV002013432.4), dbSNP rs1568059327, ClinGen allele CA401849055.